The following is an entry in ClinVar:

ClinVar aggregate classification (germline): Uncertain significance (1 of 4 stars; one submission).

Conditions:
Hereditary cancer-predisposing syndrome. Also called: Hereditary neoplastic syndrome; Neoplastic Syndromes, Hereditary; Tumor predisposition; Hereditary Cancer Syndrome. Identifiers: Orphanet 140162, MedGen C0027672, MeSH D009386, MONDO:0015356.

Submission:

Ambry Genetics
Classification: Uncertain significance for Hereditary cancer-predisposing syndrome. Last evaluated: 2024-12-22. Review status: criteria provided, single submitter. Criteria: Ambry Variant Classification Scheme 2023. Collection method: clinical testing. Allele origin: germline.
Comment: The p.N799I variant (also known as c.2396A>T), located in coding exon 14 of the ALK gene, results from an A to T substitution at nucleotide position 2396. The asparagine at codon 799 is replaced by isoleucine, an amino acid with dissimilar properties. This amino acid position is conserved. In addition, this alteration is predicted to be tolerated by in silico analysis. Based on the available evidence, the clinical significance of this variant remains unclear.

NM_004304.5(ALK):c.2396A>T (p.Asn799Ile)

Gene: ALK (ALK receptor tyrosine kinase; minus strand). Cytogenetic location: 2p23.2.
Variant type: single nucleotide variant.
Coding change: c.2396A>T on transcript NM_004304.5 (MANE Select); coding-DNA position 2396, A replaced by T.
Protein change: p.Asn799Ile; replaces asparagine 799 with isoleucine.
Molecular consequence: missense variant.
Genome position (GRCh38, 1-based): chr2:29,233,656, T>A on the plus strand (A>T on the coding strand, the complement: ALK is on the minus strand). VCF-style: chr2-29233656-T-A. GRCh37 (hg19) VCF-style: chr2-29456522-T-A.
Other names: short protein forms N799I.
Identifiers: ClinVar variation 3855051 (VCV003855051.1).